The following is an entry in ClinVar:

NM_014974.3(DIP2C):c.3196G>A (p.Ala1066Thr)

Gene: DIP2C (DIP2 acetate--CoA ligase C (putative); minus strand). Cytogenetic location: 10p15.3.
Variant type: single nucleotide variant.
Coding change: c.3196G>A on transcript NM_014974.3 (MANE Select); coding-DNA position 3196, G replaced by A.
Protein change: p.Ala1066Thr; replaces alanine 1066 with threonine.
Molecular consequence: missense variant.
Genome position (GRCh38, 1-based): chr10:348,676, C>T on the plus strand (G>A on the coding strand, the complement: DIP2C is on the minus strand). VCF-style: chr10-348676-C-T. GRCh37 (hg19) VCF-style: chr10-394616-C-T.
Other names: short protein forms A1066T.
Identifiers: ClinVar variation 1690671 (VCV001690671.5), dbSNP rs771770814, ClinGen allele CA5380086.

ClinVar aggregate classification (germline): Uncertain significance. Review status: criteria provided, multiple submitters, no conflicts (2 of 4 stars). 2 submissions from 2 submitters: Uncertain significance (2). Last evaluated 2024-12-02.

Allele frequency attached by ClinVar (database versions not stated): ExAC 0.00001; gnomAD 0.00001; TOPMed 0.00002.
gnomAD v4.1: 18 of 1,613,696 alleles (0.0011%); highest among the groups gnomAD compares: Admixed American, 0.0083%; no homozygotes.

Submissions (2):

Labcorp Genetics (formerly Invitae), Labcorp
Classification: Uncertain significance. Last evaluated: 2024-12-02. Review status: criteria provided, single submitter. Criteria: Invitae Variant Classification Sherloc (09022015). Collection method: clinical testing. Allele origin: germline.
Comment: This sequence change replaces alanine, which is neutral and non-polar, with threonine, which is neutral and polar, at codon 1066 of the DIP2C protein (p.Ala1066Thr). This variant is present in population databases (rs771770814, gnomAD 0.01%). This variant has not been reported in the literature in individuals affected with DIP2C-related conditions. ClinVar contains an entry for this variant (Variation ID: 1690671). An algorithm developed to predict the effect of missense changes on protein structure and function (PolyPhen-2) suggests that this variant is likely to be tolerated. In summary, the available evidence is currently insufficient to determine the role of this variant in disease. Therefore, it has been classified as a Variant of Uncertain Significance.

Laboratorio de Genetica e Diagnostico Molecular, Hospital Israelita Albert Einstein
Classification: Uncertain significance. Last evaluated: 2019-08-12. Review status: criteria provided, single submitter. Criteria: ACMG Guidelines, 2015. Collection method: clinical testing. Allele origin: germline. Affected: yes.
Comment: ACMG classification criteria: PM2, BP4